The following is an entry in ClinVar:

ClinVar aggregate classification (germline): Conflicting classifications of pathogenicity. Review status: criteria provided, conflicting classifications (1 of 4 stars). 4 submissions from 4 submitters: Uncertain significance (2); Likely benign (2). Last evaluated 2025-12-30.

Conditions:
SYNE2-related disorder. Also called: SYNE2-related condition.
Emery-Dreifuss muscular dystrophy 5, autosomal dominant (EDMD5). Also called: EMERY-DREIFUSS MUSCULAR DYSTROPHY 5. Identifiers: Orphanet 261, MedGen C2751805, MONDO:0013072, OMIM 612999.

Allele frequency attached by ClinVar (database versions not stated): ExAC 0.00023; ESP Exome Variant Server 0.00054; gnomAD 0.00071 and 0.00076; TOPMed 0.00079; 1000 Genomes Project 0.00120; 1000 Genomes Project 30x 0.00172; gnomAD exomes 0.00007 and 0.00016.
gnomAD v4.1: 213 of 1,614,090 alleles (0.013%); highest among the groups gnomAD compares: African/African-American, 0.27%; 1 homozygote.

Submissions (4):

PreventionGenetics, part of Exact Sciences
Classification: Likely benign for SYNE2-related condition. Last evaluated: 2025-12-30. Review status: criteria provided, single submitter. Criteria: ACMG Guidelines, 2015. Collection method: clinical testing. Allele origin: germline.
Comment: This variant is classified as likely benign based on ACMG/AMP sequence variant interpretation guidelines (Richards et al. 2015 PMID: 25741868, with internal and published modifications).

Labcorp Genetics (formerly Invitae), Labcorp
Classification: Likely benign for Emery-Dreifuss muscular dystrophy 5, autosomal dominant. Last evaluated: 2025-10-06. Review status: criteria provided, single submitter. Criteria: Invitae Variant Classification Sherloc (09022015). Collection method: clinical testing. Allele origin: germline.

Ambry Genetics
Classification: Uncertain significance. Last evaluated: 2025-08-03. Review status: criteria provided, single submitter. Criteria: Ambry Variant Classification Scheme 2023. Collection method: clinical testing. Allele origin: germline.

Revvity Omics, Revvity
Classification: Uncertain significance for Emery-Dreifuss muscular dystrophy 5, autosomal dominant. Last evaluated: 2020-01-31. Review status: criteria provided, single submitter. Criteria: ACMG Guidelines, 2015. Collection method: clinical testing. Allele origin: germline.

NM_182914.3(SYNE2):c.13424T>C (p.Val4475Ala)

Gene: SYNE2 (spectrin repeat containing nuclear envelope protein 2; plus strand). Cytogenetic location: 14q23.2.
Variant type: single nucleotide variant.
Coding change: c.13424T>C on transcript NM_182914.3 (MANE Select); coding-DNA position 13424, T replaced by C.
Protein change: p.Val4475Ala; replaces valine 4475 with alanine.
Molecular consequence: missense variant.
Genome position (GRCh38, 1-based): chr14:64,125,080, T>C. VCF-style: chr14-64125080-T-C. GRCh37 (hg19) VCF-style: chr14-64591798-T-C.
Other names: c.13424T>C, p.Val4475Ala (NM_015180.6); short protein forms V4475A.
Identifiers: ClinVar variation 707320 (VCV000707320.15), dbSNP rs146977539, ClinGen allele CA7222448.
Genomic context (GRCh38, chr14:64,125,080, plus strand): 5'-TTAATTAACATCAGCAGGGTCTAAAACTGTCAGTAATAGGGTTTTCCTTTGTCAAATAGG[T>C]TTCCACAAATATGGGTATTCTACCCAGCGTGACTATGTATAACTTTAGATACCCAACAAC-3'
Protein context (NP_878918.2, residues 4465-4485): LPLPQLVEPQ[Val4475Ala]STNMGILPSV